The following is an entry in ClinVar:

ClinVar aggregate classification (germline): Uncertain significance (1 of 4 stars; one submission).

Submission:

Women's Health and Genetics/Laboratory Corporation of America, LabCorp
Classification: Uncertain significance. Last evaluated: 2026-04-16. Review status: criteria provided, single submitter. Criteria: LabCorp Variant Classification Summary - May 2015. Collection method: clinical testing. Allele origin: germline.
Comment: Variant summary: CCDC78 c.1090_1091delAA (p.Lys364GlufsX106) causes a frameshift which results in an extension of the protein. The variant allele was found at a frequency of 4.4e-06 in 225148 control chromosomes. The available data on variant occurrences in the general population are insufficient to allow any conclusion about variant significance. To our knowledge, no occurrence of c.1090_1091delAA in individuals affected with CCDC78-related conditions and no experimental evidence demonstrating its impact on protein function have been reported. No submitters have cited clinical-significance assessments for this variant to ClinVar. Based on the evidence outlined above, the variant was classified as uncertain significance.

NM_001378030.1(CCDC78):c.1090_1091del (p.Lys364fs)

Gene: CCDC78 (coiled-coil domain containing 78; minus strand). Cytogenetic location: 16p13.3.
Variant type: Deletion.
Coding change: c.1090_1091del on transcript NM_001378030.1 (MANE Select); coding-DNA positions 1090 to 1091, 2 bases deleted (AA; older notation c.1090_1091delAA).
Protein change: p.Lys364fs; shifts the reading frame from lysine 364.
Molecular consequence: frameshift variant. On other transcripts: non-coding transcript variant (5), intron variant (1).
Genome position (GRCh38, 1-based): chr16:723,899-723,900, TT deleted on the plus strand (AA on the coding strand, the reverse complement: CCDC78 is on the minus strand); deleting any 2 consecutive bases within chr16:723,899-723,904 gives the same sequence; the c. name uses the placement nearest the transcript's 3' end. VCF-style (leftmost placement, unchanged base first): chr16-723898-CTT-C. GRCh37 (hg19) VCF-style: chr16-773898-CTT-C.
Other names: c.1090_1091del, p.Lys364fs (NM_001031737.3); c.523_524del, p.Lys175fs (NM_001378033.1); c.953+422_953+423del (NM_001378031.1); c.1090_1091delAA (NM_001031737.3); short protein forms K175fs, K364fs.
Identifiers: ClinVar variation 4688344 (VCV004688344.2).